The following is an entry in ClinVar:

ClinVar aggregate classification (germline): Conflicting classifications of pathogenicity. Review status: criteria provided, conflicting classifications (1 of 4 stars). 5 submissions from 5 submitters: Uncertain significance (4); Likely benign (1). Last evaluated 2025-07-09.

Conditions:
Inborn genetic diseases. Identifiers: MedGen C0950123, MeSH D030342.

Allele frequency attached by ClinVar (database versions not stated): gnomAD exomes 0.00001; ExAC 0.00002; TOPMed 0.00003; gnomAD 0.00004.
gnomAD v4.1: 13 of 1,208,343 alleles (0.0011%); highest among the groups gnomAD compares: Non-Finnish European, 0.0015%; no homozygotes.

Submissions (5):

Labcorp Genetics (formerly Invitae), Labcorp
Classification: Uncertain significance. Last evaluated: 2025-07-09. Review status: criteria provided, single submitter. Criteria: Invitae Variant Classification Sherloc (09022015). Collection method: clinical testing. Allele origin: germline.
Comment: This sequence change replaces glutamine, which is neutral and polar, with arginine, which is basic and polar, at codon 140 of the GRIA3 protein (p.Gln140Arg). This variant is present in population databases (rs771205448, gnomAD 0.004%). This variant has not been reported in the literature in individuals affected with GRIA3-related conditions. ClinVar contains an entry for this variant (Variation ID: 1216409). Invitae Evidence Modeling of protein sequence and biophysical properties (such as structural, functional, and spatial information, amino acid conservation, physicochemical variation, residue mobility, and thermodynamic stability) indicates that this missense variant is not expected to disrupt GRIA3 protein function with a negative predictive value of 80%. In summary, the available evidence is currently insufficient to determine the role of this variant in disease. Therefore, it has been classified as a Variant of Uncertain Significance.

Blueprint Genetics
Classification: Uncertain significance. Last evaluated: 2024-11-14. Review status: criteria provided, single submitter. Criteria: ACMG Guidelines, 2015. Collection method: clinical testing. Allele origin: germline.

CeGaT Center for Human Genetics Tuebingen
Classification: Likely benign. Last evaluated: 2023-01-01. Review status: criteria provided, single submitter. Criteria: CeGaT Center For Human Genetics Tuebingen Variant Classification Criteria Version 2. Collection method: clinical testing. Allele origin: germline. Affected: yes. Observed: 1 variant allele.
Comment: GRIA3: BS2

Ambry Genetics
Classification: Uncertain significance for Inborn genetic diseases. Last evaluated: 2021-12-10. Review status: criteria provided, single submitter. Criteria: Ambry Variant Classification Scheme 2023. Collection method: clinical testing. Allele origin: germline.

GeneDx
Classification: Uncertain significance. Last evaluated: 2019-05-24. Review status: criteria provided, single submitter. Criteria: GeneDx Variant Classification Process June 2021. Collection method: clinical testing. Allele origin: germline. Affected: yes.
Comment: Has not been previously published as pathogenic or benign to our knowledge

NM_007325.5(GRIA3):c.419A>G (p.Gln140Arg)

Gene: GRIA3 (glutamate ionotropic receptor AMPA type subunit 3; plus strand). Cytogenetic location: Xq25.
Variant type: single nucleotide variant.
Coding change: c.419A>G on transcript NM_007325.5 (MANE Select); coding-DNA position 419, A replaced by G.
Protein change: p.Gln140Arg; replaces glutamine 140 with arginine.
Molecular consequence: missense variant.
Genome position (GRCh38, 1-based): chrX:123,253,453, A>G. VCF-style: chrX-123253453-A-G. GRCh37 (hg19) VCF-style: chrX-122387304-A-G.
Other names: c.419A>G, p.Gln140Arg (NM_000828.5); short protein forms Q140R.
Identifiers: ClinVar variation 1216409 (VCV001216409.38), dbSNP rs771205448, ClinGen allele CA10506894.